The following is an entry in ClinVar:

NM_058222.3(TECTB):c.76+10C>T

Gene: TECTB (tectorin beta; plus strand). Cytogenetic location: 10q25.2.
Variant type: single nucleotide variant.
Coding change: c.76+10C>T on transcript NM_058222.3 (MANE Select); 10 bases into the intron after coding-DNA position 76, C replaced by T.
Molecular consequence: intron variant.
Genome position (GRCh38, 1-based): chr10:112,283,820, C>T. VCF-style: chr10-112283820-C-T. GRCh37 (hg19) VCF-style: chr10-114043578-C-T.
Identifiers: ClinVar variation 3058168 (VCV003058168.2), dbSNP rs768602298, ClinGen allele CA5690896.

ClinVar aggregate classification (germline): Likely benign (0 of 4 stars; one submission).

Conditions:
TECTB-related disorder. Also called: TECTB-related condition.

Allele frequency attached by ClinVar (database versions not stated): ExAC 0.00002; gnomAD 0.00002; gnomAD exomes 0.00004; TOPMed 0.00004.
gnomAD v4.1: 64 of 1,612,670 alleles (0.004%); highest among the groups gnomAD compares: Non-Finnish European, 0.0049%; no homozygotes.

Submission:

PreventionGenetics, part of Exact Sciences
Classification: Likely benign for TECTB-related condition. Last evaluated: 2019-04-08. Review status: no assertion criteria provided. Collection method: clinical testing. Allele origin: germline.
Comment: This variant is classified as likely benign based on ACMG/AMP sequence variant interpretation guidelines (Richards et al. 2015 PMID: 25741868, with internal and published modifications).